The following is an entry in ClinVar:

ClinVar aggregate classification (germline): Uncertain significance (1 of 4 stars; one submission).

Allele frequency attached by ClinVar (database versions not stated): TOPMed 0.00002; ExAC 0.00003; gnomAD 0.00005.
gnomAD v4.1: 25 of 1,613,750 alleles (0.0015%); highest among the groups gnomAD compares: Middle Eastern, 0.016%; no homozygotes.

Submission:

Labcorp Genetics (formerly Invitae), Labcorp
Classification: Uncertain significance. Last evaluated: 2022-06-15. Review status: criteria provided, single submitter. Criteria: Invitae Variant Classification Sherloc (09022015). Collection method: clinical testing. Allele origin: germline.
Comment: This sequence change replaces arginine, which is basic and polar, with leucine, which is neutral and non-polar, at codon 1659 of the DCHS1 protein (p.Arg1659Leu). In summary, the available evidence is currently insufficient to determine the role of this variant in disease. Therefore, it has been classified as a Variant of Uncertain Significance. Advanced modeling of protein sequence and biophysical properties (such as structural, functional, and spatial information, amino acid conservation, physicochemical variation, residue mobility, and thermodynamic stability) performed at Invitae indicates that this missense variant is not expected to disrupt DCHS1 protein function. This variant has not been reported in the literature in individuals affected with DCHS1-related conditions. This variant is present in population databases (rs765086823, gnomAD 0.01%).

NM_003737.4(DCHS1):c.4976G>T (p.Arg1659Leu)

Gene: DCHS1 (dachsous cadherin-related 1; minus strand). Cytogenetic location: 11p15.4.
Variant type: single nucleotide variant.
Coding change: c.4976G>T on transcript NM_003737.4 (MANE Select); coding-DNA position 4976, G replaced by T.
Protein change: p.Arg1659Leu; replaces arginine 1659 with leucine.
Molecular consequence: missense variant.
Genome position (GRCh38, 1-based): chr11:6,629,731, C>A on the plus strand (G>T on the coding strand, the complement: DCHS1 is on the minus strand). VCF-style: chr11-6629731-C-A. GRCh37 (hg19) VCF-style: chr11-6650962-C-A.
Other names: short protein forms R1659L.
Identifiers: ClinVar variation 1960193 (VCV001960193.5), dbSNP rs765086823, ClinGen allele CA5860218.